The following is an entry in ClinVar:

NM_001349206.2(LPIN1):c.1390A>G (p.Ser464Gly)

Genes: LPIN1 (lipin 1; plus strand), LOC122756382 (Sharpr-MPRA regulatory region 7856; plus strand). Cytogenetic location: 2p25.1.
Variant type: single nucleotide variant.
Coding change: c.1390A>G on transcript NM_001349206.2 (MANE Select); coding-DNA position 1390, A replaced by G.
Protein change: p.Ser464Gly; replaces serine 464 with glycine.
Molecular consequence: missense variant. On other transcripts: non-coding transcript variant (1).
Genome position (GRCh38, 1-based): chr2:11,784,917, A>G. VCF-style: chr2-11784917-A-G. GRCh37 (hg19) VCF-style: chr2-11925043-A-G.
Other names: c.1300A>G, p.Ser434Gly (NM_001261427.3); c.1537A>G, p.Ser513Gly (NM_001261428.3); c.1282A>G, p.Ser428Gly (NM_001349199.2, NM_001349200.2, NM_001349201.2 and 1 more transcripts); c.1387A>G, p.Ser463Gly (NM_001349202.2, NM_001349203.2); c.1390A>G, p.Ser464Gly (NM_001349204.2, NM_001349205.2); c.1480A>G, p.Ser494Gly (NM_001349207.2); c.1429A>G, p.Ser477Gly (NM_001349208.2); c.1282A>G (NM_145693.1); short protein forms S434G, S477G, S494G, S428G, S463G, S513G, S464G.
Identifiers: ClinVar variation 1509851 (VCV001509851.5), dbSNP rs1674257232, ClinGen allele CA345857395.
Genomic context (GRCh38, chr2:11,784,917, plus strand): 5'-CCGGTCTCTGCCGCTTTTCCTCCTTCCAGCGGAGATCCTTCCGGACTCGCAAAACATGCA[A>G]GCGACAACGGAGCCCGGTCAGCCAACCAGTCCCCGCAGTCGGTGGGCAGCTCGGGCGTGG-3'
Protein context (NP_001336135.1, residues 454-474): GDPSGLAKHA[Ser464Gly]DNGARSANQS

ClinVar aggregate classification (germline): Uncertain significance. Review status: criteria provided, multiple submitters, no conflicts (2 of 4 stars). 2 submissions from 2 submitters: Uncertain significance (2). Last evaluated 2024-11-20.

Conditions:
Inborn genetic diseases. Identifiers: MedGen C0950123, MeSH D030342.

Allele frequency attached by ClinVar (database versions not stated): gnomAD exomes below 0.00001; TOPMed 0.00001.

Submissions (2):

Ambry Genetics
Classification: Uncertain significance for Inborn genetic diseases. Last evaluated: 2024-11-20. Review status: criteria provided, single submitter. Criteria: Ambry Variant Classification Scheme 2023. Collection method: clinical testing. Allele origin: germline.

Labcorp Genetics (formerly Invitae), Labcorp
Classification: Uncertain significance. Last evaluated: 2021-08-09. Review status: criteria provided, single submitter. Criteria: Invitae Variant Classification Sherloc (09022015). Collection method: clinical testing. Allele origin: germline.
Comment: In summary, the available evidence is currently insufficient to determine the role of this variant in disease. Therefore, it has been classified as a Variant of Uncertain Significance. Algorithms developed to predict the effect of sequence changes on RNA splicing suggest that this variant may create or strengthen a splice site. Algorithms developed to predict the effect of missense changes on protein structure and function (SIFT, PolyPhen-2, Align-GVGD) all suggest that this variant is likely to be tolerated. This variant has not been reported in the literature in individuals affected with LPIN1-related conditions. This variant is not present in population databases (ExAC no frequency). This sequence change replaces serine with glycine at codon 428 of the LPIN1 protein (p.Ser428Gly). The serine residue is moderately conserved and there is a small physicochemical difference between serine and glycine.